The following is an entry in ClinVar:

ClinVar aggregate classification (germline): Benign/Likely benign. Review status: criteria provided, multiple submitters, no conflicts (2 of 4 stars). 4 submissions from 4 submitters: Benign (1); Likely benign (3). Last evaluated 2025-04-24.

Conditions:
Tuberous sclerosis syndrome (TSC). Also called: Tuberous Sclerosis Complex; Tuberous sclerosis. Identifiers: Orphanet 805, MedGen C0041341, MONDO:0001734.
Hereditary cancer-predisposing syndrome. Also called: Tumor predisposition; Neoplastic Syndromes, Hereditary; Hereditary Cancer Syndrome; Hereditary neoplastic syndrome. Identifiers: Orphanet 140162, MedGen C0027672, MeSH D009386, MONDO:0015356.
Tuberous sclerosis 1 (TSC1). Identifiers: Orphanet 805, MedGen C1854465, MONDO:0008612, OMIM 191100.

Allele frequency attached by ClinVar (database versions not stated): TOPMed below 0.00001.

Submissions (4):

Myriad Genetics, Inc.
Classification: Benign for Tuberous sclerosis 1. Last evaluated: 2025-04-24. Review status: criteria provided, single submitter. Criteria: Myriad Autosomal Dominant, Autosomal Recessive and X-Linked Classification Criteria (2023). Collection method: clinical testing. Allele origin: unknown.
Comment: This variant is considered benign. This variant is a silent/synonymous amino acid change and it is not expected to impact splicing.

Labcorp Genetics (formerly Invitae), Labcorp
Classification: Likely benign for Tuberous sclerosis 1. Last evaluated: 2024-04-30. Review status: criteria provided, single submitter. Criteria: Invitae Variant Classification Sherloc (09022015). Collection method: clinical testing. Allele origin: germline.

All of Us Research Program, National Institutes of Health
Classification: Likely benign for Tuberous sclerosis syndrome. Last evaluated: 2023-10-27. Review status: criteria provided, single submitter. Criteria: ACMG Guidelines, 2015. Collection method: clinical testing. Allele origin: germline. Inheritance: Autosomal dominant inheritance. Observed: 1 variant allele, 1 heterozygote.
Comment: This study involves interpretation of variants in research participants for the purpose of population health screening. Participant phenotype was not available at the time of variant classification. Additional details can be found in publication PMID: 35346344, PMCID: PMC8962531

Ambry Genetics
Classification: Likely benign for Hereditary cancer-predisposing syndrome. Last evaluated: 2022-12-05. Review status: criteria provided, single submitter. Criteria: Ambry Variant Classification Scheme 2023. Collection method: clinical testing. Allele origin: germline.

NM_000368.5(TSC1):c.2031C>A (p.Thr677=)

Gene: TSC1 (TSC complex subunit 1; minus strand). Cytogenetic location: 9q34.13.
Variant type: single nucleotide variant.
Coding change: c.2031C>A on transcript NM_000368.5 (MANE Select); coding-DNA position 2031, C replaced by A.
Protein change: p.Thr677=; no amino-acid change (threonine 677 retained).
Molecular consequence: synonymous variant.
Genome position (GRCh38, 1-based): chr9:132,904,421, G>T on the plus strand (C>A on the coding strand, the complement: TSC1 is on the minus strand). VCF-style: chr9-132904421-G-T. GRCh37 (hg19) VCF-style: chr9-135779808-G-T.
Other names: c.2028C>A, p.Thr676= (NM_001162426.2); c.1878C>A, p.Thr626= (NM_001162427.2); c.1668C>A, p.Thr556= (NM_001362177.2).
Identifiers: ClinVar variation 416661 (VCV000416661.13), dbSNP rs1060504855, ClinGen allele CA16612453.